The following is an entry in ClinVar:

ClinVar aggregate classification (germline): Likely pathogenic (1 of 4 stars; one submission).

Conditions:
SPTA1-related disorder. Also called: SPTA1-related disorders; SPTA1-related condition.

Submission:

PreventionGenetics, part of Exact Sciences
Classification: Likely pathogenic for SPTA1-related condition. Last evaluated: 2025-11-07. Review status: criteria provided, single submitter. Criteria: ACMG Guidelines, 2015. Collection method: clinical testing. Allele origin: germline.
Comment: The SPTA1 c.390+2T>C variant is predicted to disrupt the GT donor site and interfere with normal splicing. To our knowledge, this variant has not been reported in the literature or in a large population database (gnomAD), indicating this variant is rare. Variants that disrupt the consensus splice donor site in SPTA1 are expected to be pathogenic. This variant is interpreted as likely pathogenic.

NM_003126.4(SPTA1):c.390+2T>C

Gene: SPTA1 (spectrin alpha, erythrocytic 1; minus strand). Cytogenetic location: 1q23.1.
Variant type: single nucleotide variant.
Coding change: c.390+2T>C on transcript NM_003126.4 (MANE Select); the canonical splice donor site of the intron after coding-DNA position 390, T replaced by C.
Molecular consequence: splice donor variant.
Genome position (GRCh38, 1-based): chr1:158,683,369, A>G on the plus strand (T>C on the coding strand, the complement: SPTA1 is on the minus strand). VCF-style: chr1-158683369-A-G. GRCh37 (hg19) VCF-style: chr1-158653159-A-G.
Identifiers: ClinVar variation 4984061 (VCV004984061.1).
Genomic context (GRCh38, chr1:158,683,369, plus strand): 5'-CAGTTAAAACCCTGATAACATAATCAATAATTGGAAACTTCTTCAAGGGCCCATACATAT[A>G]CCTTCGTTTCTTCGTGGGCAGAATGACCCATGGTAAATCGTTCTTCCCTTGTTTTTTCCA-3'